The following is an entry in ClinVar:

ClinVar aggregate classification (germline): Uncertain significance (1 of 4 stars; one submission).

Submission:

GeneDx
Classification: Uncertain significance. Last evaluated: 2016-08-20. Review status: criteria provided, single submitter. Criteria: GeneDx Variant Classification (06012015). Collection method: clinical testing. Allele origin: germline. Affected: yes.
Comment: This variant is denoted BAP1 c.1984-13_1984-3del11 or IVS15-13_IVS15-3del11 and consists of a deletion of 11 nucleotides from the -13 to -3 position of intron 15 of the BAP1 gene. The surrounding sequence is cttc[del11]agAT, where the capital letters are exonic and the lowercase letters are intronic. At least two in silico models predict this variant to destroy or damage the nearby natural acceptor site and to possibly cause abnormal gene splicing; however, in the absence of RNA or functional studies, the actual effect of this variant is unknown. BAP1 c.1984-13_1984-3del11 was not observed in approximately 6,500 individuals of European and African American ancestry in the NHLBI Exome Sequencing Project, suggesting it is not a common benign variant in these populations. This variant has not, to our knowledge, been published in the literature. Based on currently available information, it is unclear whether BAP1 c.1984-13_1984-3del11 is pathogenic or benign. We consider it to be a variant of uncertain significance.

NM_004656.4(BAP1):c.1984-13_1984-3del

Gene: BAP1 (BRCA1 associated protein 1; minus strand). Cytogenetic location: 3p21.1.
Variant type: Deletion.
Coding change: c.1984-13_1984-3del on transcript NM_004656.4 (MANE Select); 13 bases into the intron before coding-DNA position 1984 through 3 bases into the intron before coding-DNA position 1984, 11 bases deleted (TTCTCTCCTAC).
Molecular consequence: intron variant.
Genome position (GRCh38, 1-based): chr3:52,402,677-52,402,687, GTAGGAGAGAA deleted on the plus strand (TTCTCTCCTAC on the coding strand, the reverse complement: BAP1 is on the minus strand); deleting any 11 consecutive bases within chr3:52,402,677-52,402,688 gives the same sequence; the c. name uses the placement nearest the transcript's 3' end. VCF-style (leftmost placement, unchanged base first): chr3-52402676-TGTAGGAGAGAA-T. GRCh37 (hg19) VCF-style: chr3-52436692-TGTAGGAGAGAA-T.
Other names: c.1984-13_1984-3delTTCTCTCCTAC (NM_004656.3).
Identifiers: ClinVar variation 422059 (VCV000422059.2), dbSNP rs1064795528, ClinGen allele CA16617995.
Genomic context (GRCh38, chr3:52,402,676, plus strand): 5'-ATGGAGATAAAGGTGCAGATGAACTCATCGTAGTTGTGGGTCCTTCTCTGGTCATCAATC[TGTAGGAGAGAA>T]GAAGACTGAGAGCACTGGAGCCAATCTTGCCAGAGCAGCCACCAGTGGACCTCGGGAGAG-3'